The following is an entry in ClinVar:

NM_001032283.3(TMPO):c.565+2495T>A

Gene: TMPO (thymopoietin; plus strand). Cytogenetic location: 12q23.1.
Variant type: single nucleotide variant.
Coding change: c.565+2495T>A on transcript NM_001032283.3 (MANE Select); 2495 bases into the intron after coding-DNA position 565, T replaced by A.
Molecular consequence: intron variant. On other transcripts: missense variant (1).
Genome position (GRCh38, 1-based): chr12:98,534,333, T>A. VCF-style: chr12-98534333-T-A. GRCh37 (hg19) VCF-style: chr12-98928111-T-A.
Other names: c.2076T>A, p.Asn692Lys (NM_003276.2); c.565+2495T>A (NM_001307975.2, NM_001032284.3); short protein forms N692K.
Identifiers: ClinVar variation 2430853 (VCV002430853.1), dbSNP rs1006520602, ClinGen allele CA242225542.

ClinVar aggregate classification (germline): Uncertain significance (1 of 4 stars; one submission).

Allele frequency attached by ClinVar (database versions not stated): gnomAD exomes below 0.00001; gnomAD 0.00001; TOPMed 0.00002.

Submission:

GeneDx
Classification: Uncertain significance. Last evaluated: 2022-08-25. Review status: criteria provided, single submitter. Criteria: GeneDx Variant Classification Process June 2021. Collection method: clinical testing. Allele origin: germline. Affected: yes.
Comment: Has not been previously published as pathogenic or benign to our knowledge; Not observed at significant frequency in large population cohorts (gnomAD); In silico analysis supports that this missense variant does not alter protein structure/function